The following is an entry in ClinVar:

NM_001105206.3(LAMA4):c.737G>A (p.Gly246Asp)

Gene: LAMA4 (laminin subunit alpha 4; minus strand). Cytogenetic location: 6q21.
Variant type: single nucleotide variant.
Coding change: c.737G>A on transcript NM_001105206.3 (MANE Select); coding-DNA position 737, G replaced by A.
Protein change: p.Gly246Asp; replaces glycine 246 with aspartic acid.
Molecular consequence: missense variant.
Genome position (GRCh38, 1-based): chr6:112,189,187, C>T on the plus strand (G>A on the coding strand, the complement: LAMA4 is on the minus strand). VCF-style: chr6-112189187-C-T. GRCh37 (hg19) VCF-style: chr6-112510389-C-T.
Other names: c.737G>A, p.Gly246Asp (NM_001105207.3, NM_002290.5); short protein forms G246D.
Identifiers: ClinVar variation 1907824 (VCV001907824.6), dbSNP rs782587495, ClinGen allele CA3966056.

ClinVar aggregate classification (germline): Uncertain significance. Review status: criteria provided, multiple submitters, no conflicts (2 of 4 stars). 2 submissions from 2 submitters: Uncertain significance (2). Last evaluated 2025-01-19.

Conditions:
Cardiovascular phenotype. Identifiers: MedGen CN230736.
Dilated cardiomyopathy 1JJ (CMD1JJ). Identifiers: Orphanet 154, MedGen C3808935, MONDO:0014095, OMIM 615235.

Submissions (2):

Ambry Genetics
Classification: Uncertain significance for Cardiovascular phenotype. Last evaluated: 2025-01-19. Review status: criteria provided, single submitter. Criteria: Ambry Variant Classification Scheme 2023. Collection method: clinical testing. Allele origin: germline.

Labcorp Genetics (formerly Invitae), Labcorp
Classification: Uncertain significance for Dilated cardiomyopathy 1JJ. Last evaluated: 2022-05-27. Review status: criteria provided, single submitter. Criteria: Invitae Variant Classification Sherloc (09022015). Collection method: clinical testing. Allele origin: germline.
Comment: This sequence change replaces glycine, which is neutral and non-polar, with aspartic acid, which is acidic and polar, at codon 246 of the LAMA4 protein (p.Gly246Asp). This variant is present in population databases (rs782587495, gnomAD 0.01%). This variant has not been reported in the literature in individuals affected with LAMA4-related conditions. Algorithms developed to predict the effect of missense changes on protein structure and function are either unavailable or do not agree on the potential impact of this missense change (SIFT: "Tolerated"; PolyPhen-2: "Possibly Damaging"; Align-GVGD: "Class C0"). In summary, the available evidence is currently insufficient to determine the role of this variant in disease. Therefore, it has been classified as a Variant of Uncertain Significance.